The following is an entry in ClinVar:

NM_000264.5(PTCH1):c.3562A>G (p.Asn1188Asp)

Gene: PTCH1 (patched 1; minus strand). Cytogenetic location: 9q22.32.
Variant type: single nucleotide variant.
Coding change: c.3562A>G on transcript NM_000264.5 (MANE Select); coding-DNA position 3562, A replaced by G.
Protein change: p.Asn1188Asp; replaces asparagine 1188 with aspartic acid.
Molecular consequence: missense variant. On other transcripts: non-coding transcript variant (1).
Genome position (GRCh38, 1-based): chr9:95,449,311, T>C on the plus strand (A>G on the coding strand, the complement: PTCH1 is on the minus strand). VCF-style: chr9-95449311-T-C. GRCh37 (hg19) VCF-style: chr9-98211593-T-C.
Other names: c.3364A>G, p.Asn1122Asp (NM_001083602.3); c.3559A>G, p.Asn1187Asp (NM_001083603.3); c.3109A>G, p.Asn1037Asp (NM_001083604.3, NM_001083605.3, NM_001083606.3 and 1 more transcripts); c.3406A>G, p.Asn1136Asp (NM_001354918.2); short protein forms N1037D, N1122D, N1187D, N1136D, N1188D.
Identifiers: ClinVar variation 1412169 (VCV001412169.12), dbSNP rs1319757275, ClinGen allele CA374111394.

ClinVar aggregate classification (germline): Conflicting classifications of pathogenicity. Review status: criteria provided, conflicting classifications (1 of 4 stars). 2 submissions from 2 submitters: Uncertain significance (1); Likely benign (1). Last evaluated 2026-06-12.

Conditions:
Hereditary cancer-predisposing syndrome. Also called: Tumor predisposition; Neoplastic Syndromes, Hereditary; Hereditary Cancer Syndrome; Hereditary neoplastic syndrome. Identifiers: Orphanet 140162, MedGen C0027672, MeSH D009386, MONDO:0015356.
Gorlin syndrome. Also called: Basal cell nevus syndrome; Nevoid Basal Cell Carcinoma Syndrome. Identifiers: Orphanet 377, MedGen C0004779, MONDO:0007187.

Allele frequency attached by ClinVar (database versions not stated): TOPMed below 0.00001.
gnomAD v4.1: 2 of 1,551,670 alleles (0.00013%); highest among the groups gnomAD compares: African/African-American, 0.0014%; no homozygotes.

Submissions (2):

Ambry Genetics
Classification: Likely benign for Hereditary cancer-predisposing syndrome. Last evaluated: 2026-06-12. Review status: criteria provided, single submitter. Criteria: Ambry Variant Classification Scheme 2023. Collection method: clinical testing. Allele origin: germline.

Labcorp Genetics (formerly Invitae), Labcorp
Classification: Uncertain significance for Gorlin syndrome. Last evaluated: 2024-06-12. Review status: criteria provided, single submitter. Criteria: Invitae Variant Classification Sherloc (09022015). Collection method: clinical testing. Allele origin: germline.
Comment: This sequence change replaces asparagine, which is neutral and polar, with aspartic acid, which is acidic and polar, at codon 1188 of the PTCH1 protein (p.Asn1188Asp). This variant is not present in population databases (gnomAD no frequency). This variant has not been reported in the literature in individuals affected with PTCH1-related conditions. ClinVar contains an entry for this variant (Variation ID: 1412169). Advanced modeling of protein sequence and biophysical properties (such as structural, functional, and spatial information, amino acid conservation, physicochemical variation, residue mobility, and thermodynamic stability) performed at Invitae indicates that this missense variant is not expected to disrupt PTCH1 protein function with a negative predictive value of 95%. In summary, the available evidence is currently insufficient to determine the role of this variant in disease. Therefore, it has been classified as a Variant of Uncertain Significance.